The following is an entry in ClinVar:

NM_201596.3(CACNB2):c.111C>A (p.Ala37=)

Gene: CACNB2 (calcium voltage-gated channel auxiliary subunit beta 2; plus strand). Cytogenetic location: 10p12.33.
Variant type: single nucleotide variant.
Coding change: c.111C>A on transcript NM_201596.3 (MANE Select); coding-DNA position 111, C replaced by A.
Protein change: p.Ala37=; no amino-acid change (alanine 37 retained).
Molecular consequence: synonymous variant. On other transcripts: 5 prime UTR variant (3).
Genome position (GRCh38, 1-based): chr10:18,140,847, C>A. VCF-style: chr10-18140847-C-A. GRCh37 (hg19) VCF-style: chr10-18429776-C-A.
Other names: c.-333C>A (NM_001167945.2, NM_201571.4, NM_201572.4); c.111C>A, p.Ala37= (NM_201593.3, NM_201597.3).
Identifiers: ClinVar variation 4979754 (VCV004979754.1).

ClinVar aggregate classification (germline): Likely benign (1 of 4 stars; one submission).

Conditions:
CACNB2-related disorder. Also called: CACNB2-related condition.

gnomAD v4.1: 143 of 1,601,518 alleles (0.0089%); highest among the groups gnomAD compares: South Asian, 0.15%; 1 homozygote.

Submission:

PreventionGenetics, part of Exact Sciences
Classification: Likely benign for CACNB2-related condition. Last evaluated: 2025-12-16. Review status: criteria provided, single submitter. Criteria: ACMG Guidelines, 2015. Collection method: clinical testing. Allele origin: germline.
Comment: This variant is classified as likely benign based on ACMG/AMP sequence variant interpretation guidelines (Richards et al. 2015 PMID: 25741868, with internal and published modifications).